The following is an entry in ClinVar:

NM_000760.4(CSF3R):c.2211C>T (p.Ser737=)

Gene: CSF3R (colony stimulating factor 3 receptor; minus strand). Cytogenetic location: 1p34.3.
Variant type: single nucleotide variant.
Coding change: c.2211C>T on transcript NM_000760.4 (MANE Select); coding-DNA position 2211, C replaced by T.
Protein change: p.Ser737=; no amino-acid change (serine 737 retained).
Molecular consequence: synonymous variant.
Genome position (GRCh38, 1-based): chr1:36,466,657, G>A on the plus strand (C>T on the coding strand, the complement: CSF3R is on the minus strand). VCF-style: chr1-36466657-G-A. GRCh37 (hg19) VCF-style: chr1-36932258-G-A.
Other names: c.2292C>T, p.Ser764= (NM_156039.3); c.2211C>T, p.Ser737= (NM_172313.3).
Identifiers: ClinVar variation 734371 (VCV000734371.42), dbSNP rs376211630, ClinGen allele CA768928.

ClinVar aggregate classification (germline): Likely benign. Review status: criteria provided, multiple submitters, no conflicts (2 of 4 stars). 3 submissions from 3 submitters: Likely benign (3). Last evaluated 2026-09-01.

Conditions:
Autosomal recessive severe congenital neutropenia due to CSF3R deficiency. Also called: Neutropenia, severe congenital, 7, autosomal recessive. Identifiers: Orphanet 420702, MedGen C4310764, MONDO:0014865, OMIM 617014.

Allele frequency attached by ClinVar (database versions not stated): ExAC 0.00022; gnomAD exomes 0.00027 and 0.00033; ESP Exome Variant Server 0.00031; TOPMed 0.00031; gnomAD 0.00032 and 0.00034.
gnomAD v4.1: 527 of 1,614,058 alleles (0.033%); highest among the groups gnomAD compares: Non-Finnish European, 0.042%; no homozygotes.

Submissions (3):

CeGaT Center for Human Genetics Tuebingen
Classification: Likely benign. Last evaluated: 2026-09-01. Review status: criteria provided, single submitter. Criteria: CeGaT Center For Human Genetics Tuebingen Variant Classification Criteria Version 2. Collection method: clinical testing. Allele origin: germline. Affected: yes. Observed: 2 variant alleles.
Comment: CSF3R: BP4, BP7

Labcorp Genetics (formerly Invitae), Labcorp
Classification: Likely benign for Autosomal recessive severe congenital neutropenia due to CSF3R deficiency. Last evaluated: 2026-01-02. Review status: criteria provided, single submitter. Criteria: Invitae Variant Classification Sherloc (09022015). Collection method: clinical testing. Allele origin: germline.

Blueprint Genetics
Classification: Likely benign. Last evaluated: 2024-11-26. Review status: criteria provided, single submitter. Criteria: ACMG Guidelines, 2015. Collection method: clinical testing. Allele origin: germline.